The following is an entry in ClinVar:

NM_000203.5(IDUA):c.1153C>T (p.Pro385Ser)

Gene: IDUA (alpha-L-iduronidase; plus strand). Cytogenetic location: 4p16.3.
Variant type: single nucleotide variant.
Coding change: c.1153C>T on transcript NM_000203.5 (MANE Select); coding-DNA position 1153, C replaced by T.
Protein change: p.Pro385Ser; replaces proline 385 with serine.
Molecular consequence: missense variant. On other transcripts: non-coding transcript variant (1).
Genome position (GRCh38, 1-based): chr4:1,002,449, C>T. VCF-style: chr4-1002449-C-T. GRCh37 (hg19) VCF-style: chr4-996237-C-T.
Other names: c.757C>T, p.Pro253Ser (NM_001363576.1); short protein forms P385S, P253S.
Identifiers: ClinVar variation 2195701 (VCV002195701.2), dbSNP rs752529809, ClinGen allele CA2802207.
Genomic context (GRCh38, chr4:1,002,449, plus strand): 5'-CTCACCGCGCGCTTCCAGGTCAACAACACCCGCCCGCCGCACGTGCAGCTGTTGCGCAAG[C>T]CGGTGCTCACGGCCATGGGGCTGCTGGCGCTGCTGGGTGAGCCGGGGCCGCTGGGGTGGG-3'
Protein context (NP_000194.2, residues 375-395): RPPHVQLLRK[Pro385Ser]VLTAMGLLAL

ClinVar aggregate classification (germline): Uncertain significance. Review status: criteria provided, multiple submitters, no conflicts (2 of 4 stars). 2 submissions from 2 submitters: Uncertain significance (2). Last evaluated 2025-12-26.

Conditions:
IDUA-related disorder. Also called: IDUA-related condition.
Mucopolysaccharidosis type 1. Also called: IDUA deficiency; MPS I; Mucopolysaccharidosis Type I. Identifiers: Orphanet 579, MedGen C0023786, MONDO:0001586.

Allele frequency attached by ClinVar (database versions not stated): ExAC 0.00004; TOPMed below 0.00001.

Submissions (2):

3billion
Classification: Uncertain significance for IDUA-related disorder. Last evaluated: 2025-12-26. Review status: criteria provided, single submitter. Criteria: ACMG Guidelines, 2015. Collection method: clinical testing. Allele origin: germline. Affected: yes.
Comment: The variant is observed at an extremely low frequency in the gnomAD v4.1.0 dataset (total allele frequency: <0.001%). Predicted Consequence/Location: Missense variant In silico tool predictions suggest damaging effect of the variant on gene or gene product [REVEL: 0.88 (>=0.6, sensitivity 0.68 and specificity 0.92); 3Cnet: 0.99 (> 0.75, sensitivity 0.96 and precision 0.92)]. A different missense change at the same codon (p.Pro385Arg) has been reported to be associated with IDUA-related disorder (PMID: 21394825). However the evidence of pathogenicity is insufficient at this time. Therefore, this variant is classified as VUS according to the recommendation of ACMG/AMP guideline.

Labcorp Genetics (formerly Invitae), Labcorp
Classification: Uncertain significance for Mucopolysaccharidosis type 1. Last evaluated: 2021-12-27. Review status: criteria provided, single submitter. Criteria: Invitae Variant Classification Sherloc (09022015). Collection method: clinical testing. Allele origin: germline.
Comment: This sequence change replaces proline, which is neutral and non-polar, with serine, which is neutral and polar, at codon 385 of the IDUA protein (p.Pro385Ser). This variant is present in population databases (rs752529809, gnomAD 0.01%). This variant has not been reported in the literature in individuals affected with IDUA-related conditions. Advanced modeling of protein sequence and biophysical properties (such as structural, functional, and spatial information, amino acid conservation, physicochemical variation, residue mobility, and thermodynamic stability) performed at Invitae indicates that this missense variant is expected to disrupt IDUA protein function. In summary, the available evidence is currently insufficient to determine the role of this variant in disease. Therefore, it has been classified as a Variant of Uncertain Significance.

Literature cited by the submitters: PubMed 21394825 (cited by 3billion).